The following is an entry in ClinVar:

NM_000301.5(PLG):c.937A>G (p.Asn313Asp)

Gene: PLG (plasminogen; plus strand). Cytogenetic location: 6q26.
Variant type: single nucleotide variant.
Coding change: c.937A>G on transcript NM_000301.5 (MANE Select); coding-DNA position 937, A replaced by G.
Protein change: p.Asn313Asp; replaces asparagine 313 with aspartic acid.
Molecular consequence: missense variant.
Genome position (GRCh38, 1-based): chr6:160,718,443, A>G. VCF-style: chr6-160718443-A-G. GRCh37 (hg19) VCF-style: chr6-161139475-A-G.
Other names: short protein forms N313D.
Identifiers: ClinVar variation 3628842 (VCV003628842.2).

ClinVar aggregate classification (germline): Uncertain significance (1 of 4 stars; one submission).

Submission:

Labcorp Genetics (formerly Invitae), Labcorp
Classification: Uncertain significance. Last evaluated: 2025-06-08. Review status: criteria provided, single submitter. Criteria: Invitae Variant Classification Sherloc (09022015). Collection method: clinical testing. Allele origin: germline.
Comment: This sequence change replaces asparagine, which is neutral and polar, with aspartic acid, which is acidic and polar, at codon 313 of the PLG protein (p.Asn313Asp). This variant is not present in population databases (gnomAD no frequency). This variant has not been reported in the literature in individuals affected with PLG-related conditions. ClinVar contains an entry for this variant (Variation ID: 3628842). Invitae Evidence Modeling of protein sequence and biophysical properties (such as structural, functional, and spatial information, amino acid conservation, physicochemical variation, residue mobility, and thermodynamic stability) indicates that this missense variant is not expected to disrupt PLG protein function with a negative predictive value of 80%. In summary, the available evidence is currently insufficient to determine the role of this variant in disease. Therefore, it has been classified as a Variant of Uncertain Significance.